The following is an entry in ClinVar:

ClinVar aggregate classification (germline): Likely benign (0 of 4 stars; one submission).

Conditions:
PRSS12-related disorder. Also called: PRSS12-related condition.

gnomAD v4.1: 14 of 1,504,190 alleles (0.00093%); highest among the groups gnomAD compares: Admixed American, 0.021%; no homozygotes.

Submission:

PreventionGenetics, part of Exact Sciences
Classification: Likely benign for PRSS12-related condition. Last evaluated: 2019-11-12. Review status: no assertion criteria provided. Collection method: clinical testing. Allele origin: germline.
Comment: This variant is classified as likely benign based on ACMG/AMP sequence variant interpretation guidelines (Richards et al. 2015 PMID: 25741868, with internal and published modifications).

NM_003619.4(PRSS12):c.180G>C (p.Pro60=)

Gene: PRSS12 (serine protease 12; minus strand). Cytogenetic location: 4q26.
Variant type: single nucleotide variant.
Coding change: c.180G>C on transcript NM_003619.4 (MANE Select); coding-DNA position 180, G replaced by C.
Protein change: p.Pro60=; no amino-acid change (proline 60 retained).
Molecular consequence: synonymous variant.
Genome position (GRCh38, 1-based): chr4:118,352,541, C>G on the plus strand (G>C on the coding strand, the complement: PRSS12 is on the minus strand). VCF-style: chr4-118352541-C-G. GRCh37 (hg19) VCF-style: chr4-119273696-C-G.
Identifiers: ClinVar variation 3045211 (VCV003045211.2), dbSNP rs757909956, ClinGen allele CA3055987.
Genomic context (GRCh38, chr4:118,352,541, plus strand): 5'-GAGGGCGTGCGGGCGCTGGGCAGGGAGCGCCCGCGGGGGGCGCGGGAAGCGCGGGAGAGG[C>G]GGCGGCGGACGCGTCCTCGGGGGCCGCTGCTGGGTGGGAAGGTAATAGGGGTAGTGCGGA-3'
Protein context (NP_003610.2, residues 50-70): QQRPPRTRPP[Pro60=]PLPRFPRPPR